The following is an entry in ClinVar:

NM_005026.5(PIK3CD):c.1053C>T (p.Asn351=)

Genes: PIK3CD (phosphatidylinositol-4,5-bisphosphate 3-kinase catalytic subunit delta; plus strand), LOC126805612 (MED14-independent group 3 enhancer GRCh37_chr1:9778914-9780113; plus strand). Cytogenetic location: 1p36.22.
Variant type: single nucleotide variant.
Coding change: c.1053C>T on transcript NM_005026.5 (MANE Select); coding-DNA position 1053, C replaced by T.
Protein change: p.Asn351=; no amino-acid change (asparagine 351 retained).
Molecular consequence: synonymous variant.
Genome position (GRCh38, 1-based): chr1:9,718,726, C>T. VCF-style: chr1-9718726-C-T. GRCh37 (hg19) VCF-style: chr1-9778784-C-T.
Other names: c.1053C>T, p.Asn351= (NM_001350234.2); c.966C>T, p.Asn322= (NM_001350235.1).
Identifiers: ClinVar variation 1595811 (VCV001595811.9), dbSNP rs776959413, ClinGen allele CA577083.

ClinVar aggregate classification (germline): Likely benign. Review status: criteria provided, multiple submitters, no conflicts (2 of 4 stars). 2 submissions from 2 submitters: Likely benign (2). Last evaluated 2026-09-01.

Conditions:
Immunodeficiency 14 (IMD14A). Also called: p110-DELTA-ACTIVATING MUTATION CAUSING SENESCENT T CELLS, LYMPHADENOPATHY, AND IMMUNODEFICIENCY; ACTIVATED PI3K-DELTA SYNDROME 1; IMMUNODEFICIENCY 14A WITH LYMPHOPROLIFERATION, AUTOSOMAL DOMINANT; Activated PI3K Delta Syndrome Type 1 (APDS1). Identifiers: Orphanet 397596, Orphanet 693661, MedGen C5907821, MONDO:0014222, OMIM 615513.

Allele frequency attached by ClinVar (database versions not stated): gnomAD 0.00001; TOPMed 0.00001; ExAC 0.00002; gnomAD exomes 0.00002.
gnomAD v4.1: 11 of 1,607,020 alleles (0.00068%); highest among the groups gnomAD compares: Admixed American, 0.0067%; no homozygotes.

Submissions (2):

CeGaT Center for Human Genetics Tuebingen
Classification: Likely benign. Last evaluated: 2026-09-01. Review status: criteria provided, single submitter. Criteria: CeGaT Center For Human Genetics Tuebingen Variant Classification Criteria Version 2. Collection method: clinical testing. Allele origin: germline. Affected: yes. Observed: 1 variant allele.
Comment: PIK3CD: BP4, BP7

Labcorp Genetics (formerly Invitae), Labcorp
Classification: Likely benign for Activated PI3K-delta syndrome. Last evaluated: 2025-06-14. Review status: criteria provided, single submitter. Criteria: Invitae Variant Classification Sherloc (09022015). Collection method: clinical testing. Allele origin: germline.